The following is an entry in ClinVar:

NM_198525.3(KIF7):c.1604G>A (p.Arg535Gln)

Gene: KIF7 (kinesin family member 7; minus strand). Cytogenetic location: 15q26.1.
Variant type: single nucleotide variant.
Coding change: c.1604G>A on transcript NM_198525.3 (MANE Select); coding-DNA position 1604, G replaced by A.
Protein change: p.Arg535Gln; replaces arginine 535 with glutamine.
Molecular consequence: missense variant.
Genome position (GRCh38, 1-based): chr15:89,647,014, C>T on the plus strand (G>A on the coding strand, the complement: KIF7 is on the minus strand). VCF-style: chr15-89647014-C-T. GRCh37 (hg19) VCF-style: chr15-90190245-C-T.
Other names: short protein forms R535Q.
Identifiers: ClinVar variation 1306917 (VCV001306917.2), dbSNP rs1326668086, ClinGen allele CA393767828.

ClinVar aggregate classification (germline): Uncertain significance (1 of 4 stars; one submission).

Allele frequency attached by ClinVar (database versions not stated): gnomAD exomes below 0.00001.

Submission:

GeneDx
Classification: Uncertain significance. Last evaluated: 2019-07-05. Review status: criteria provided, single submitter. Criteria: GeneDx Variant Classification Process June 2021. Collection method: clinical testing. Allele origin: germline. Affected: yes.
Comment: Not observed at a significant frequency in large population cohorts (Lek et al., 2016); In silico analysis, which includes protein predictors and evolutionary conservation, supports that this variant does not alter protein structure/function; Has not been previously published as pathogenic or benign to our knowledge